The following is an entry in ClinVar:

ClinVar aggregate classification (germline): Likely pathogenic (1 of 4 stars; one submission).

Conditions:
Autosomal dominant nonsyndromic hearing loss 12. Also called: DEAFNESS, AUTOSOMAL DOMINANT 8. Identifiers: Orphanet 90635, MedGen C1832187, MONDO:0011102, OMIM 601543.
Autosomal recessive nonsyndromic hearing loss 21. Identifiers: Orphanet 90636, MedGen C1863655, MONDO:0011351, OMIM 603629.

Submission:

Human Genetics Bochum, Ruhr University Bochum
Classification: Likely pathogenic for Autosomal dominant nonsyndromic hearing loss 12; Autosomal recessive nonsyndromic hearing loss 21. Last evaluated: 2025-03-13. Review status: criteria provided, single submitter. Criteria: ACMG Guidelines, 2015. Collection method: clinical testing. Allele origin: germline. Affected: yes.
Comment: was identified together with TECTA c.5585A>G; ACMG criteria used to clasify this variant: PVS1, PM2_SUP

NM_005422.4(TECTA):c.1734dup (p.Gly579fs)

Genes: TECTA (tectorin alpha; plus strand), TBCEL-TECTA (TBCEL-TECTA readthrough; plus strand). Cytogenetic location: 11q23.3.
Variant type: Duplication.
Coding change: c.1734dup on transcript NM_005422.4 (MANE Select); coding-DNA position 1734, one base duplicated (T; older notation c.1734dupT).
Protein change: p.Gly579fs; shifts the reading frame from glycine 579.
Molecular consequence: frameshift variant.
Genome position (GRCh38, 1-based): chr11:121,125,832, T duplicated; the last of 2 consecutive T bases (chr11:121,125,831-121,125,832); duplicating either gives the same sequence. VCF-style (leftmost placement, unchanged base first): chr11-121125830-C-CT. GRCh37 (hg19) VCF-style: chr11-120996539-C-CT.
Other names: c.2691dup, p.Gly898fs (NM_001378761.1); short protein forms G579fs, G898fs.
Identifiers: ClinVar variation 4687905 (VCV004687905.1).